The following is an entry in ClinVar:

ClinVar aggregate classification (germline): Pathogenic (1 of 4 stars; one submission).

Conditions:
Cohen syndrome (COH1). Also called: Cutis verticis gyrata, retinitis pigmentosa, and sensorineural deafness; PEPPER SYNDROME. Identifiers: Orphanet 193, MedGen C0265223, MONDO:0008999, OMIM 216550.

Submission:

Labcorp Genetics (formerly Invitae), Labcorp
Classification: Pathogenic for Cohen syndrome. Last evaluated: 2022-04-09. Review status: criteria provided, single submitter. Criteria: Invitae Variant Classification Sherloc (09022015). Collection method: clinical testing. Allele origin: germline.
Comment: For these reasons, this variant has been classified as Pathogenic. This variant has not been reported in the literature in individuals affected with VPS13B-related conditions. This variant is a gross deletion of the genomic region encompassing exon(s) 35-43 of the VPS13B gene. This deletion is out-of-frame, and is expected to create a premature termination codon and result in an absent or disrupted protein product. Loss-of-function variants in VPS13B are known to be pathogenic (PMID: 15141358, 16648375, 20461111).

Literature cited by the submitters: PubMed 15141358; PubMed 16648375; PubMed 20461111.

NC_000008.11:g.(?_99661344)_(99784486_?)del

Gene: VPS13B (vacuolar protein sorting 13 homolog B; plus strand). Cytogenetic location: 8q22.2.
Variant type: Deletion.
Identifiers: ClinVar variation 833514 (VCV000833514.6).